The following is an entry in ClinVar:

ClinVar aggregate classification (germline): Uncertain significance. Review status: criteria provided, multiple submitters, no conflicts (2 of 4 stars). 2 submissions from 2 submitters: Uncertain significance (2). Last evaluated 2025-04-21.

Allele frequency attached by ClinVar (database versions not stated): gnomAD 0.00002; ExAC 0.00005.
gnomAD v4.1: 23 of 1,613,534 alleles (0.0014%); highest among the groups gnomAD compares: Non-Finnish European, 0.0012%; no homozygotes.

Submissions (2):

Labcorp Genetics (formerly Invitae), Labcorp
Classification: Uncertain significance. Last evaluated: 2025-04-21. Review status: criteria provided, single submitter. Criteria: Invitae Variant Classification Sherloc (09022015). Collection method: clinical testing. Allele origin: germline.
Comment: This sequence change replaces arginine, which is basic and polar, with histidine, which is basic and polar, at codon 121 of the TUBA8 protein (p.Arg121His). This variant is present in population databases (rs760936775, gnomAD 0.01%). This variant has not been reported in the literature in individuals affected with TUBA8-related conditions. ClinVar contains an entry for this variant (Variation ID: 2728839). Invitae Evidence Modeling of protein sequence and biophysical properties (such as structural, functional, and spatial information, amino acid conservation, physicochemical variation, residue mobility, and thermodynamic stability) indicates that this missense variant is expected to disrupt TUBA8 protein function with a positive predictive value of 80%. In summary, the available evidence is currently insufficient to determine the role of this variant in disease. Therefore, it has been classified as a Variant of Uncertain Significance.

Ambry Genetics
Classification: Uncertain significance. Last evaluated: 2025-01-09. Review status: criteria provided, single submitter. Criteria: Ambry Variant Classification Scheme 2023. Collection method: clinical testing. Allele origin: germline.

NM_018943.3(TUBA8):c.362G>A (p.Arg121His)

Gene: TUBA8 (tubulin alpha 8; plus strand). Cytogenetic location: 22q11.21.
Variant type: single nucleotide variant.
Coding change: c.362G>A on transcript NM_018943.3 (MANE Select); coding-DNA position 362, G replaced by A.
Protein change: p.Arg121His; replaces arginine 121 with histidine.
Molecular consequence: missense variant.
Genome position (GRCh38, 1-based): chr22:18,124,291, G>A. VCF-style: chr22-18124291-G-A. GRCh37 (hg19) VCF-style: chr22-18607058-G-A.
Other names: c.362G>A (NM_018943.2); c.164G>A, p.Arg55His (NM_001193414.2); short protein forms R121H, R55H.
Identifiers: ClinVar variation 2728839 (VCV002728839.4), dbSNP rs760936775, ClinGen allele CA10093651.